The following is an entry in ClinVar:

ClinVar aggregate classification (germline): Uncertain significance. Review status: criteria provided, multiple submitters, no conflicts (2 of 4 stars). 2 submissions from 2 submitters: Uncertain significance (2). Last evaluated 2022-07-03.

Allele frequency attached by ClinVar (database versions not stated): gnomAD exomes 0.00002 and 0.00011; ExAC 0.00003; TOPMed 0.00003; gnomAD 0.00006.
gnomAD v4.1: 169 of 1,613,720 alleles (0.01%); highest among the groups gnomAD compares: Non-Finnish European, 0.014%; no homozygotes.

Submissions (2):

Labcorp Genetics (formerly Invitae), Labcorp
Classification: Uncertain significance. Last evaluated: 2022-07-03. Review status: criteria provided, single submitter. Criteria: Invitae Variant Classification Sherloc (09022015). Collection method: clinical testing. Allele origin: germline.
Comment: This sequence change replaces serine, which is neutral and polar, with tyrosine, which is neutral and polar, at codon 214 of the CARMIL2 protein (p.Ser214Tyr). This variant is present in population databases (rs753595810, gnomAD 0.01%). This variant has not been reported in the literature in individuals affected with CARMIL2-related conditions. ClinVar contains an entry for this variant (Variation ID: 1423492). Algorithms developed to predict the effect of missense changes on protein structure and function are either unavailable or do not agree on the potential impact of this missense change (SIFT: "Deleterious"; PolyPhen-2: "Probably Damaging"; Align-GVGD: "Class C0"). In summary, the available evidence is currently insufficient to determine the role of this variant in disease. Therefore, it has been classified as a Variant of Uncertain Significance.

Blueprint Genetics
Classification: Uncertain significance. Last evaluated: 2022-05-13. Review status: criteria provided, single submitter. Criteria: ACMG Guidelines, 2015. Collection method: clinical testing. Allele origin: germline.

NM_001013838.3(CARMIL2):c.641C>A (p.Ser214Tyr)

Gene: CARMIL2 (capping protein regulator and myosin 1 linker 2; plus strand). Cytogenetic location: 16q22.1.
Variant type: single nucleotide variant.
Coding change: c.641C>A on transcript NM_001013838.3 (MANE Select); coding-DNA position 641, C replaced by A.
Protein change: p.Ser214Tyr; replaces serine 214 with tyrosine.
Molecular consequence: missense variant.
Genome position (GRCh38, 1-based): chr16:67,647,145, C>A. VCF-style: chr16-67647145-C-A. GRCh37 (hg19) VCF-style: chr16-67681048-C-A.
Other names: c.641C>A, p.Ser214Tyr (NM_001317026.3); short protein forms S214Y.
Identifiers: ClinVar variation 1423492 (VCV001423492.4), dbSNP rs753595810, ClinGen allele CA8113155.